The following is an entry in ClinVar:

ClinVar aggregate classification (germline): Uncertain significance (1 of 4 stars; one submission).

Conditions:
MHC class I deficiency. Identifiers: Orphanet 34592, MedGen C6024714, MONDO:0011476.

Submission:

Labcorp Genetics (formerly Invitae), Labcorp
Classification: Uncertain significance for MHC class I deficiency 1. Last evaluated: 2022-11-05. Review status: criteria provided, single submitter. Criteria: Invitae Variant Classification Sherloc (09022015). Collection method: clinical testing. Allele origin: germline.
Comment: In summary, the available evidence is currently insufficient to determine the role of this variant in disease. Therefore, it has been classified as a Variant of Uncertain Significance. Algorithms developed to predict the effect of missense changes on protein structure and function are either unavailable or do not agree on the potential impact of this missense change (SIFT: "Deleterious"; PolyPhen-2: "Probably Damaging"; Align-GVGD: "Class C0"). This variant has not been reported in the literature in individuals affected with TAPBP-related conditions. This variant is not present in population databases (gnomAD no frequency). This sequence change replaces leucine, which is neutral and non-polar, with arginine, which is basic and polar, at codon 38 of the TAPBP protein (p.Leu38Arg).

NM_003190.5(TAPBP):c.113T>G (p.Leu38Arg)

Gene: TAPBP (TAP binding protein; minus strand). Cytogenetic location: 6p21.32.
Variant type: single nucleotide variant.
Coding change: c.113T>G on transcript NM_003190.5 (MANE Select); coding-DNA position 113, T replaced by G.
Protein change: p.Leu38Arg; replaces leucine 38 with arginine.
Molecular consequence: missense variant.
Genome position (GRCh38, 1-based): chr6:33,313,789, A>C on the plus strand (T>G on the coding strand, the complement: TAPBP is on the minus strand). VCF-style: chr6-33313789-A-C. GRCh37 (hg19) VCF-style: chr6-33281566-A-C.
Other names: c.113T>G, p.Leu38Arg (NM_001410875.1, NM_172208.3, NM_172209.3); short protein forms L38R.
Identifiers: ClinVar variation 2812240 (VCV002812240.3), dbSNP rs2536783210, ClinGen allele CA363622853.
Genomic context (GRCh38, chr6:33,313,789, plus strand): 5'-GGCCGGGGCGGCGGTTCCCCCGGTCCCTGGCGCAACAGCAGTGCACCGGGTCTCTTGGCC[A>C]GGCCCTTTCCGCTCGCATCCTCCACGAACCAACACTCGATCACCGCGGGTCCTGCTGAGA-3'
Protein context (NP_003181.3, residues 28-48): WFVEDASGKG[Leu38Arg]AKRPGALLLR